The following is an entry in ClinVar:

NM_022124.6(CDH23):c.1660G>A (p.Val554Ile)

Gene: CDH23 (cadherin related 23; plus strand). Cytogenetic location: 10q22.1.
Variant type: single nucleotide variant.
Coding change: c.1660G>A on transcript NM_022124.6 (MANE Select); coding-DNA position 1660, G replaced by A.
Protein change: p.Val554Ile; replaces valine 554 with isoleucine.
Molecular consequence: missense variant.
Genome position (GRCh38, 1-based): chr10:71,677,601, G>A. VCF-style: chr10-71677601-G-A. GRCh37 (hg19) VCF-style: chr10-73437358-G-A.
Other names: c.1660G>A, p.Val554Ile (NM_001171930.2, NM_001171931.2); short protein forms V554I.
Identifiers: ClinVar variation 179505 (VCV000179505.5), dbSNP rs727504910, ClinGen allele CA184555.

ClinVar aggregate classification (germline): Uncertain significance. Review status: criteria provided, single submitter (1 of 4 stars). 2 submissions from 2 submitters: Uncertain significance (1). 1 of the submissions does not count toward it. Last evaluated 2017-12-26.

Conditions:
Usher syndrome type 1 (USH1). Also called: RETINITIS PIGMENTOSA AND CONGENITAL DEAFNESS. Identifiers: Orphanet 231169, Orphanet 886, MedGen C1568247, MONDO:0010168, OMIM 276900.

Allele frequency attached by ClinVar (database versions not stated): gnomAD exomes below 0.00001 and 0.00001.
gnomAD v4.1: 2 of 1,606,512 alleles (0.00012%); highest among the groups gnomAD compares: South Asian, 0.0022%; no homozygotes.

Submissions (2):

Laboratory for Molecular Medicine, Mass General Brigham Personalized Medicine
Classification: Uncertain significance. Last evaluated: 2017-12-26. Review status: criteria provided, single submitter. Criteria: LMM Criteria. Collection method: clinical testing. Allele origin: germline. Observed: 2 variant alleles.
Comment: This variant has been identified in 1/28330 South Asian chromosomes by the Genome Aggregation Da tabase (gnomAD; dbSNP rs727504910). Although t his variant has been seen in the general population, its frequency is not high e nough to rule out a pathogenic role. Computational prediction tools and conserva tion analysis do not provide strong support for or against an impact to the prot ein. In summary, the clinical significance of the p.Val554Ile variant is uncerta in. ACMG/AMP Criteria applied: PM2.

Natera, Inc.
Classification: Uncertain significance for Usher syndrome type 1. Last evaluated: 2019-10-28. Review status: no assertion criteria provided. Collection method: clinical testing. Allele origin: germline. Not counted in ClinVar's aggregate classification.